The following is an entry in ClinVar:

ClinVar aggregate classification (germline): Likely pathogenic (1 of 4 stars; one submission).

Conditions:
Spermatogenic failure, X-linked, 7 (SPGFX7). Identifiers: MedGen C5829567, MONDO:0957202, OMIM 301106.

Submission:

Clinical Genetics Laboratory, Affiliated Hospital of Inner Mongolia Medical University
Classification: Likely pathogenic for Spermatogenic failure, X-linked, 7. Last evaluated: 2025-08-08. Review status: criteria provided, single submitter. Criteria: ACMG Guidelines, 2015. Collection method: clinical testing. Allele origin: germline. Inheritance: X-linked inheritance. Affected: yes. Observed: 2 variant alleles, 2 hemizygotes. Clinical features observed: oligospermia.
Comment: The c.403+1G>A variant in TAF7L has been found in 1 China families with X-linked dominant spermatogenic failure, segregated with the disease, and was absent from large population cohorts (gnomAD). This sequence change affects a donor splice site in intron 3 of the TAF7L gene. RNA analysis and MINIGene indicates that disruption of this splice site induces altered splicing and likely results in the exon 3 skipping (79 bp).

NM_001168474.2(TAF7L):c.145+1G>A

Gene: TAF7L (TATA-box binding protein associated factor 7 like; minus strand). Cytogenetic location: Xq22.1.
Variant type: single nucleotide variant.
Coding change: c.145+1G>A on transcript NM_001168474.2 (MANE Select); the canonical splice donor site of the intron after coding-DNA position 145, G replaced by A.
Molecular consequence: splice donor variant.
Genome position (GRCh38, 1-based): chrX:101,286,574, C>T on the plus strand (G>A on the coding strand, the complement: TAF7L is on the minus strand). VCF-style: chrX-101286574-C-T. GRCh37 (hg19) VCF-style: chrX-100541562-C-T.
Other names: c.403+1G>A (NM_024885.4); c.145+1G>A (NM_001410720.1).
Identifiers: ClinVar variation 4086106 (VCV004086106.1).